The following is an entry in ClinVar:

NM_022051.3(EGLN1):c.647A>G (p.Lys216Arg)

Gene: EGLN1 (egl-9 family hypoxia inducible factor 1; minus strand). Cytogenetic location: 1q42.2.
Variant type: single nucleotide variant.
Coding change: c.647A>G on transcript NM_022051.3 (MANE Select); coding-DNA position 647, A replaced by G.
Protein change: p.Lys216Arg; replaces lysine 216 with arginine.
Molecular consequence: missense variant.
Genome position (GRCh38, 1-based): chr1:231,421,242, T>C on the plus strand (A>G on the coding strand, the complement: EGLN1 is on the minus strand). VCF-style: chr1-231421242-T-C. GRCh37 (hg19) VCF-style: chr1-231556988-T-C.
Other names: c.647A>G, p.Lys216Arg (NM_001377260.1, NM_001377261.1); short protein forms K216R.
Identifiers: ClinVar variation 2560768 (VCV002560768.3), dbSNP rs1450827287, ClinGen allele CA345236144.

ClinVar aggregate classification (germline): Uncertain significance (1 of 4 stars; one submission).

gnomAD v4.1: 9 of 1,613,922 alleles (0.00056%); highest among the groups gnomAD compares: South Asian, 0.0011%; no homozygotes.

Submission:

Ambry Genetics
Classification: Uncertain significance. Last evaluated: 2025-10-15. Review status: criteria provided, single submitter. Criteria: Ambry Variant Classification Scheme 2023. Collection method: clinical testing. Allele origin: germline.
Comment: The p.K216R variant (also known as c.647A>G), located in coding exon 1 of the EGLN1 gene, results from an A to G substitution at nucleotide position 647. The lysine at codon 216 is replaced by arginine, an amino acid with highly similar properties. This amino acid position is conserved. In addition, this alteration is predicted to be tolerated by in silico analysis. Since supporting evidence is limited at this time, the clinical significance of this alteration remains unclear.